The following is an entry in ClinVar:

NM_032228.6(FAR1):c.307G>A (p.Asp103Asn)

Gene: FAR1 (fatty acyl-CoA reductase 1; plus strand). Cytogenetic location: 11p15.3.
Variant type: single nucleotide variant.
Coding change: c.307G>A on transcript NM_032228.6 (MANE Select); coding-DNA position 307, G replaced by A.
Protein change: p.Asp103Asn; replaces aspartic acid 103 with asparagine.
Molecular consequence: missense variant.
Genome position (GRCh38, 1-based): chr11:13,700,434, G>A. VCF-style: chr11-13700434-G-A. GRCh37 (hg19) VCF-style: chr11-13721981-G-A.
Other names: short protein forms D103N.
Identifiers: ClinVar variation 1975437 (VCV001975437.6), dbSNP rs2500114380, ClinGen allele CA379856721.

ClinVar aggregate classification (germline): Uncertain significance. Review status: criteria provided, multiple submitters, no conflicts (2 of 4 stars). 2 submissions from 2 submitters: Uncertain significance (2). Last evaluated 2022-08-22.

Conditions:
Inborn genetic diseases. Identifiers: MedGen C0950123, MeSH D030342.

Allele frequency attached by ClinVar (database versions not stated): gnomAD exomes below 0.00001.
gnomAD v4.1: 2 of 1,590,904 alleles (0.00013%); highest among the groups gnomAD compares: Non-Finnish European, 0.00017%; no homozygotes.

Submissions (2):

Labcorp Genetics (formerly Invitae), Labcorp
Classification: Uncertain significance. Last evaluated: 2022-08-22. Review status: criteria provided, single submitter. Criteria: Invitae Variant Classification Sherloc (09022015). Collection method: clinical testing. Allele origin: germline.
Comment: In summary, the available evidence is currently insufficient to determine the role of this variant in disease. Therefore, it has been classified as a Variant of Uncertain Significance. Algorithms developed to predict the effect of missense changes on protein structure and function are either unavailable or do not agree on the potential impact of this missense change (SIFT: "Deleterious"; PolyPhen-2: "Benign"; Align-GVGD: "Class C0"). This variant has not been reported in the literature in individuals affected with FAR1-related conditions. This variant is not present in population databases (gnomAD no frequency). This sequence change replaces aspartic acid, which is acidic and polar, with asparagine, which is neutral and polar, at codon 103 of the FAR1 protein (p.Asp103Asn).

Ambry Genetics
Classification: Uncertain significance for Inborn genetic diseases. Last evaluated: 2022-01-27. Review status: criteria provided, single submitter. Criteria: Ambry Variant Classification Scheme 2023. Collection method: clinical testing. Allele origin: germline.